The following is an entry in ClinVar:

NM_013275.6(ANKRD11):c.3931C>T (p.Arg1311Ter)

Gene: ANKRD11 (ankyrin repeat domain 11; minus strand). Cytogenetic location: 16q24.3.
Variant type: single nucleotide variant.
Coding change: c.3931C>T on transcript NM_013275.6 (MANE Select); coding-DNA position 3931, C replaced by T.
Protein change: p.Arg1311Ter; replaces arginine 1311 with a stop codon.
Molecular consequence: nonsense.
Genome position (GRCh38, 1-based): chr16:89,282,611, G>A on the plus strand (C>T on the coding strand, the complement: ANKRD11 is on the minus strand). VCF-style: chr16-89282611-G-A. GRCh37 (hg19) VCF-style: chr16-89349019-G-A.
Other names: c.3931C>T, p.Arg1311Ter (NM_001256182.2, NM_001256183.2); short protein forms R1311*.
Identifiers: ClinVar variation 981712 (VCV000981712.9), dbSNP rs2034353033, ClinGen allele CA397158677.
Genomic context (GRCh38, chr16:89,282,611, plus strand): 5'-CTCCAGGTGGCTCCGTGAAAGAGACCTCCAGGAAGGCAGTCAGCCCCGGCTCCTGCCCTC[G>A]GTCCGTGAAGCTGTCAGAGGAGACCTCGCTGATTTTATCGTTGGAGTCTTCTCTGTACTC-3'

ClinVar aggregate classification (germline): Pathogenic/Likely pathogenic. Review status: criteria provided, multiple submitters, no conflicts (2 of 4 stars). 6 submissions from 6 submitters: Pathogenic (4); Likely pathogenic (1). 1 of the submissions does not count toward it. Last evaluated 2024-03-07.

Conditions:
KBG syndrome (KBGS). Also called: ANKRD11-Related KBG Syndrome. Identifiers: Orphanet 2332, MedGen C0220687, MONDO:0007846, OMIM 148050.

Submissions (6):

Labcorp Genetics (formerly Invitae), Labcorp
Classification: Pathogenic for KBG syndrome. Last evaluated: 2024-03-07. Review status: criteria provided, single submitter. Criteria: Invitae Variant Classification Sherloc (09022015). Collection method: clinical testing. Allele origin: germline.
Comment: This sequence change creates a premature translational stop signal (p.Arg1311*) in the ANKRD11 gene. It is expected to result in an absent or disrupted protein product. Loss-of-function variants in ANKRD11 are known to be pathogenic (PMID: 21782149, 25125236, 25413698, 25652421). This variant is not present in population databases (gnomAD no frequency). This premature translational stop signal has been observed in individual(s) with KBG syndrome (PMID: 34547584). In at least one individual the variant was observed to be de novo. ClinVar contains an entry for this variant (Variation ID: 981712). For these reasons, this variant has been classified as Pathogenic.

Clinical Genetics Laboratory, Skane University Hospital Lund
Classification: Pathogenic. Last evaluated: 2023-11-09. Review status: criteria provided, single submitter. Criteria: ACMG Guidelines, 2015. Collection method: clinical testing. Allele origin: germline. Affected: yes.

Department of Human Genetics, Hannover Medical School
Classification: Likely pathogenic for KBG syndrome. Last evaluated: 2022-05-18. Review status: criteria provided, single submitter. Criteria: ACMG Guidelines, 2015. Collection method: clinical testing. Allele origin: germline. Inheritance: Autosomal dominant inheritance. Affected: yes.

GeneDx
Classification: Pathogenic. Last evaluated: 2022-04-25. Review status: criteria provided, single submitter. Criteria: GeneDx Variant Classification Process June 2021. Collection method: clinical testing. Allele origin: germline. Affected: yes.
Comment: Nonsense variant predicted to result in protein truncation or nonsense mediated decay in a gene for which loss of function is a known mechanism of disease; Not observed at significant frequency in large population cohorts (gnomAD); This variant is associated with the following publications: (PMID: 34547584, Martinez-Cayuelas2022[article])

Equipe Genetique des Anomalies du Developpement, Université de Bourgogne
Classification: Pathogenic for KBG syndrome. Last evaluated: 2020-03-30. Review status: criteria provided, single submitter. Criteria: ACMG Guidelines, 2015. Collection method: clinical testing. Allele origin: de novo. Affected: yes.

Autoinflammatory diseases unit, CHU de Montpellier
Classification: Likely pathogenic for KBG syndrome. Last evaluated: 2016-04-29. Review status: no assertion criteria provided. Collection method: clinical testing. Allele origin: unknown. Affected: yes. Not counted in ClinVar's aggregate classification.

Literature cited by the submitters: PubMed 21782149 (cited by Labcorp Genetics (formerly Invitae), Labcorp and Equipe Genetique des Anomalies du Developpement, Université de Bourgogne); PubMed 25125236 (cited by Labcorp Genetics (formerly Invitae), Labcorp); PubMed 25413698 (cited by Labcorp Genetics (formerly Invitae), Labcorp); PubMed 25652421 (cited by Labcorp Genetics (formerly Invitae), Labcorp); PubMed 34547584 (cited by Labcorp Genetics (formerly Invitae), Labcorp).